The following is an entry in ClinVar:

NM_001267550.2(TTN):c.2371-2A>G

Gene: TTN (titin; minus strand). Cytogenetic location: 2q31.2.
Variant type: single nucleotide variant.
Coding change: c.2371-2A>G on transcript NM_001267550.2 (MANE Select); the canonical splice acceptor site of the intron before coding-DNA position 2371, A replaced by G.
Molecular consequence: splice acceptor variant.
Genome position (GRCh38, 1-based): chr2:178,785,744, T>C on the plus strand (A>G on the coding strand, the complement: TTN is on the minus strand). VCF-style: chr2-178785744-T-C. GRCh37 (hg19) VCF-style: chr2-179650471-T-C.
Other names: c.2233-2A>G (NM_003319.4, NM_133437.4, NM_133432.3); c.2371-2A>G (NM_133378.4, NM_001256850.1, NM_133379.5).
Identifiers: ClinVar variation 2946017 (VCV002946017.3), dbSNP rs2533541249, ClinGen allele CA349499375.

ClinVar aggregate classification (germline): Likely pathogenic (1 of 4 stars; one submission).

Conditions:
Dilated cardiomyopathy 1G (CMD1G). Identifiers: Orphanet 154, MedGen C1858763, MONDO:0011400, OMIM 604145.
Autosomal recessive limb-girdle muscular dystrophy type 2J (LGMDR10). Also called: Limb-girdle muscular dystrophy, type 2J; MUSCULAR DYSTROPHY, LIMB-GIRDLE, AUTOSOMAL RECESSIVE 10. Identifiers: Orphanet 140922, MedGen C1837342, MONDO:0012127, OMIM 608807.

Submission:

Labcorp Genetics (formerly Invitae), Labcorp
Classification: Likely pathogenic for Dilated cardiomyopathy 1G; Autosomal recessive limb-girdle muscular dystrophy type 2J. Last evaluated: 2024-10-18. Review status: criteria provided, single submitter. Criteria: Invitae Variant Classification Sherloc (09022015). Collection method: clinical testing. Allele origin: germline.
Comment: This sequence change affects an acceptor splice site in intron 14 of the TTN gene. It is expected to disrupt RNA splicing and likely results in a truncated or disrupted TTN protein. This variant is not present in population databases (gnomAD no frequency). This variant has not been reported in the literature in individuals affected with TTN-related conditions. Algorithms developed to predict the effect of sequence changes on RNA splicing suggest that this variant may disrupt the consensus splice site. This variant is located in the Z band of TTN (PMID: 25589632). Truncating variants in this region have been reported in individuals affected with autosomal recessive centronuclear myopathy (PMID: 33449170, internal data). Truncating variants in this region have also been identified in individuals affected with autosomal dominant dilated cardiomyopathy and/or cardio-related conditions (PMID: 27869827, 32964742, internal data). In summary, the currently available evidence indicates that the variant is pathogenic, but additional data are needed to prove that conclusively. Therefore, this variant has been classified as Likely Pathogenic.

Literature cited by the submitters: PubMed 25589632; PubMed 33449170; PubMed 27869827; PubMed 32964742.